The following is an entry in ClinVar:

NM_052947.4(ALPK2):c.1098C>A (p.Phe366Leu)

Genes: ALPK2 (alpha kinase 2; minus strand), LOC114803473 (ALPK2 eExon liver enhancer; plus strand). Cytogenetic location: 18q21.31.
Variant type: single nucleotide variant.
Coding change: c.1098C>A on transcript NM_052947.4 (MANE Select); coding-DNA position 1098, C replaced by A.
Protein change: p.Phe366Leu; replaces phenylalanine 366 with leucine.
Molecular consequence: missense variant.
Genome position (GRCh38, 1-based): chr18:58,579,678, G>T on the plus strand (C>A on the coding strand, the complement: ALPK2 is on the minus strand). VCF-style: chr18-58579678-G-T. GRCh37 (hg19) VCF-style: chr18-56246910-G-T.
Other names: short protein forms F366L.
Identifiers: ClinVar variation 1791182 (VCV001791182.2), dbSNP rs762606578, ClinGen allele CA402564721.

ClinVar aggregate classification (germline): Uncertain significance (1 of 4 stars; one submission).

gnomAD v4.1: 1 of 1,613,918 alleles (0.000062%); highest among the groups gnomAD compares: Non-Finnish European, 0.000085%; no homozygotes.

Submission:

Ambry Genetics
Classification: Uncertain significance. Last evaluated: 2022-04-07. Review status: criteria provided, single submitter. Criteria: Ambry Variant Classification Scheme 2023. Collection method: clinical testing. Allele origin: germline.
Comment: The p.F366L variant (also known as c.1098C>A), located in coding exon 3 of the ALPK2 gene, results from a C to A substitution at nucleotide position 1098. The phenylalanine at codon 366 is replaced by leucine, an amino acid with highly similar properties. This amino acid position is conserved. In addition, this alteration is predicted to be tolerated by in silico analysis. Since supporting evidence is limited at this time, the clinical significance of this alteration remains unclear.